The following is an entry in ClinVar:

NM_018063.5(HELLS):c.350A>G (p.Asp117Gly)

Gene: HELLS (helicase, lymphoid specific; plus strand). Cytogenetic location: 10q23.33.
Variant type: single nucleotide variant.
Coding change: c.350A>G on transcript NM_018063.5 (MANE Select); coding-DNA position 350, A replaced by G.
Protein change: p.Asp117Gly; replaces aspartic acid 117 with glycine.
Molecular consequence: missense variant. On other transcripts: 5 prime UTR variant (3), initiator codon variant (1).
Genome position (GRCh38, 1-based): chr10:94,562,707, A>G. VCF-style: chr10-94562707-A-G. GRCh37 (hg19) VCF-style: chr10-96322464-A-G.
Other names: c.350A>G, p.Asp117Gly (NM_001289067.2, NM_001289069.2, NM_001289070.2 and 1 more transcripts); c.302A>G, p.Asp101Gly (NM_001289068.2); c.-23A>G (NM_001289071.2); c.1A>G, p.Met1Val (NM_001289073.2); c.-653A>G (NM_001289074.2); c.-672A>G (NM_001289075.2); c.350A>G (NM_018063.3); short protein forms M1V, D117G, D101G.
Identifiers: ClinVar variation 1355641 (VCV001355641.8), dbSNP rs888754330, ClinGen allele CA211647508.

ClinVar aggregate classification (germline): Uncertain significance. Review status: criteria provided, multiple submitters, no conflicts (2 of 4 stars). 2 submissions from 2 submitters: Uncertain significance (2). Last evaluated 2024-01-23.

Conditions:
Inborn genetic diseases. Identifiers: MedGen C0950123, MeSH D030342.

Allele frequency attached by ClinVar (database versions not stated): gnomAD 0.00001 and 0.00003; TOPMed 0.00005.
gnomAD v4.1: 8 of 1,588,804 alleles (0.0005%); highest among the groups gnomAD compares: Admixed American, 0.0069%; no homozygotes.

Submissions (2):

Ambry Genetics
Classification: Uncertain significance for Inborn genetic diseases. Last evaluated: 2024-01-23. Review status: criteria provided, single submitter. Criteria: Ambry Variant Classification Scheme 2023. Collection method: clinical testing. Allele origin: germline.

Labcorp Genetics (formerly Invitae), Labcorp
Classification: Uncertain significance. Last evaluated: 2024-01-22. Review status: criteria provided, single submitter. Criteria: Invitae Variant Classification Sherloc (09022015). Collection method: clinical testing. Allele origin: germline.
Comment: This sequence change replaces aspartic acid, which is acidic and polar, with glycine, which is neutral and non-polar, at codon 117 of the HELLS protein (p.Asp117Gly). This variant is not present in population databases (gnomAD no frequency). This variant has not been reported in the literature in individuals affected with HELLS-related conditions. ClinVar contains an entry for this variant (Variation ID: 1355641). Algorithms developed to predict the effect of missense changes on protein structure and function output the following: SIFT: "Not Available"; PolyPhen-2: "Benign"; Align-GVGD: "Not Available". The glycine amino acid residue is found in multiple mammalian species, which suggests that this missense change does not adversely affect protein function. In summary, the available evidence is currently insufficient to determine the role of this variant in disease. Therefore, it has been classified as a Variant of Uncertain Significance.